The following is an entry in ClinVar:

NM_001384732.1(CPLANE1):c.3796T>G (p.Ser1266Ala)

Gene: CPLANE1 (ciliogenesis and planar polarity effector complex subunit 1; minus strand). Cytogenetic location: 5p13.2.
Variant type: single nucleotide variant.
Coding change: c.3796T>G on transcript NM_001384732.1 (MANE Select); coding-DNA position 3796, T replaced by G.
Protein change: p.Ser1266Ala; replaces serine 1266 with alanine.
Molecular consequence: missense variant.
Genome position (GRCh38, 1-based): chr5:37,195,873, A>C on the plus strand (T>G on the coding strand, the complement: CPLANE1 is on the minus strand). VCF-style: chr5-37195873-A-C. GRCh37 (hg19) VCF-style: chr5-37195975-A-C.
Other names: c.3796T>G, p.Ser1266Ala (NM_023073.4); short protein forms S1266A.
Identifiers: ClinVar variation 1486908 (VCV001486908.6), dbSNP rs1310199621, ClinGen allele CA359509801.
Genomic context (GRCh38, chr5:37,195,873, plus strand): 5'-ATACCATCATTCATACTCTAAGCAAGCAGTTCATTTTGGACAAACCTATTGCTCTAATGG[A>C]AACTTCATCAAGCTTGTGGTCTCCAGCTGCTCCAGGTCTAAAAAATGCGATACCTCCTTT-3'
Protein context (NP_001371661.1, residues 1256-1276): AAGDHKLDEV[Ser1266Ala]IRAIGCFREL

ClinVar aggregate classification (germline): Uncertain significance (1 of 4 stars; one submission).

Allele frequency attached by ClinVar (database versions not stated): gnomAD exomes below 0.00001; TOPMed below 0.00001.
gnomAD v4.1: 1 of 1,611,040 alleles (0.000062%); highest among the groups gnomAD compares: Admixed American, 0.0017%; no homozygotes.

Submission:

Labcorp Genetics (formerly Invitae), Labcorp
Classification: Uncertain significance. Last evaluated: 2021-11-12. Review status: criteria provided, single submitter. Criteria: Invitae Variant Classification Sherloc (09022015). Collection method: clinical testing. Allele origin: germline.
Comment: In summary, the available evidence is currently insufficient to determine the role of this variant in disease. Therefore, it has been classified as a Variant of Uncertain Significance. Advanced modeling of protein sequence and biophysical properties (such as structural, functional, and spatial information, amino acid conservation, physicochemical variation, residue mobility, and thermodynamic stability) performed at Invitae indicates that this missense variant is not expected to disrupt CPLANE1 protein function. This variant has not been reported in the literature in individuals affected with CPLANE1-related conditions. This variant is present in population databases (no rsID available, gnomAD 0.003%). This sequence change replaces serine, which is neutral and polar, with alanine, which is neutral and non-polar, at codon 1266 of the CPLANE1 protein (p.Ser1266Ala).